The following is an entry in ClinVar:

NM_000321.3(RB1):c.1753C>G (p.His585Asp)

Gene: RB1 (RB transcriptional corepressor 1; plus strand). Cytogenetic location: 13q14.2.
Variant type: single nucleotide variant.
Coding change: c.1753C>G on transcript NM_000321.3 (MANE Select); coding-DNA position 1753, C replaced by G.
Protein change: p.His585Asp; replaces histidine 585 with aspartic acid.
Molecular consequence: missense variant.
Genome position (GRCh38, 1-based): chr13:48,453,050, C>G. VCF-style: chr13-48453050-C-G. GRCh37 (hg19) VCF-style: chr13-49027186-C-G.
Other names: short protein forms H585D.
Identifiers: ClinVar variation 577923 (VCV000577923.6), dbSNP rs1401332173, ClinGen allele CA388165540.
Genomic context (GRCh38, chr13:48,453,050, plus strand): 5'-TAGGATTCACCTTTATTTGATCTTATTAAACAATCAAAGGACCGAGAAGGACCAACTGAT[C>G]ACCTTGAATCTGCTTGTCCTCTTAATCTTCCTCTCCAGAATAATCACACTGCAGCAGATA-3'
Protein context (NP_000312.2, residues 575-595): QSKDREGPTD[His585Asp]LESACPLNLP

ClinVar aggregate classification (germline): Uncertain significance (1 of 4 stars; one submission).

Conditions:
Retinoblastoma (RB1). Also called: RETINOBLASTOMA, SOMATIC. Identifiers: Orphanet 790, MedGen C0035335, MeSH D012175, MONDO:0008380, OMIM 180200, HP:0009919. Disease mechanism: loss of function. Inheritance: Both sporadic and heritable forms are tested..

gnomAD v4.1: 3 of 1,613,264 alleles (0.00019%); highest among the groups gnomAD compares: Non-Finnish European, 0.00025%; no homozygotes.

Submission:

Labcorp Genetics (formerly Invitae), Labcorp
Classification: Uncertain significance for Retinoblastoma. Last evaluated: 2024-01-31. Review status: criteria provided, single submitter. Criteria: Invitae Variant Classification Sherloc (09022015). Collection method: clinical testing. Allele origin: germline.
Comment: This sequence change replaces histidine, which is basic and polar, with aspartic acid, which is acidic and polar, at codon 585 of the RB1 protein (p.His585Asp). This variant is not present in population databases (gnomAD no frequency). This variant has not been reported in the literature in individuals affected with RB1-related conditions. ClinVar contains an entry for this variant (Variation ID: 577923). Advanced modeling of protein sequence and biophysical properties (such as structural, functional, and spatial information, amino acid conservation, physicochemical variation, residue mobility, and thermodynamic stability) performed at Invitae indicates that this missense variant is not expected to disrupt RB1 protein function with a negative predictive value of 80%. In summary, the available evidence is currently insufficient to determine the role of this variant in disease. Therefore, it has been classified as a Variant of Uncertain Significance.